The following is an entry in ClinVar:

ClinVar aggregate classification (germline): Uncertain significance. Review status: criteria provided, multiple submitters, no conflicts (2 of 4 stars). 2 submissions from 2 submitters: Uncertain significance (2). Last evaluated 2026-06-02.

Conditions:
Inborn genetic diseases. Identifiers: MedGen C0950123, MeSH D030342.

Submissions (2):

Women's Health and Genetics/Laboratory Corporation of America, LabCorp
Classification: Uncertain significance. Last evaluated: 2026-06-02. Review status: criteria provided, single submitter. Criteria: LabCorp Variant Classification Summary - May 2015. Collection method: clinical testing. Allele origin: germline.
Comment: Variant summary: DUOX2 c.389A>T (p.Asn130Ile) results in a non-conservative amino acid change in the encoded protein sequence. Algorithms developed to predict the effect of missense changes on protein structure and function all suggest that this variant is likely to be disruptive. The variant allele was found at a frequency of 4e-06 in 250362 control chromosomes. The available data on variant occurrences in the general population are insufficient to allow any conclusion about variant significance. To our knowledge, no occurrence of c.389A>T in individuals affected with DUOX2-related conditions and no experimental evidence demonstrating its impact on protein function have been reported. ClinVar contains an entry for this variant (Variation ID: 4245378). Based on the evidence outlined above, the variant was classified as uncertain significance.

Ambry Genetics
Classification: Uncertain significance for Inborn genetic diseases. Last evaluated: 2025-08-11. Review status: criteria provided, single submitter. Criteria: Ambry Variant Classification Scheme 2023. Collection method: clinical testing. Allele origin: germline.

NM_001363711.2(DUOX2):c.389A>T (p.Asn130Ile)

Gene: DUOX2 (dual oxidase 2; minus strand). Cytogenetic location: 15q21.1.
Variant type: single nucleotide variant.
Coding change: c.389A>T on transcript NM_001363711.2 (MANE Select); coding-DNA position 389, A replaced by T.
Protein change: p.Asn130Ile; replaces asparagine 130 with isoleucine.
Molecular consequence: missense variant.
Genome position (GRCh38, 1-based): chr15:45,111,892, T>A on the plus strand (A>T on the coding strand, the complement: DUOX2 is on the minus strand). VCF-style: chr15-45111892-T-A. GRCh37 (hg19) VCF-style: chr15-45404090-T-A.
Other names: c.389A>T, p.Asn130Ile (NM_014080.5); short protein forms N130I.
Identifiers: ClinVar variation 4245378 (VCV004245378.2).